The following is an entry in ClinVar:

NM_000298.6(PKLR):c.1174G>A (p.Ala392Thr)

Gene: PKLR (pyruvate kinase L/R; minus strand). Cytogenetic location: 1q22.
Variant type: single nucleotide variant.
Coding change: c.1174G>A on transcript NM_000298.6 (MANE Select); coding-DNA position 1174, G replaced by A.
Protein change: p.Ala392Thr; replaces alanine 392 with threonine.
Molecular consequence: missense variant.
Genome position (GRCh38, 1-based): chr1:155,293,533, C>T on the plus strand (G>A on the coding strand, the complement: PKLR is on the minus strand). VCF-style: chr1-155293533-C-T. GRCh37 (hg19) VCF-style: chr1-155263324-C-T.
Other names: c.1081G>A, p.Ala361Thr (NM_181871.4); short protein forms A361T, A392T.
Identifiers: ClinVar variation 1163641 (VCV001163641.13), dbSNP rs1403323591, ClinGen allele CA342752830.

ClinVar aggregate classification (germline): Conflicting classifications of pathogenicity. Review status: criteria provided, conflicting classifications (1 of 4 stars). 5 submissions from 5 submitters: Pathogenic (1); Uncertain significance (3). 1 of the submissions does not count toward it. Last evaluated 2024-10-22.

Conditions:
PKLR-related disorder. Also called: PKLR-related condition.

Allele frequency attached by ClinVar (database versions not stated): gnomAD exomes below 0.00001.

Submissions (5):

Labcorp Genetics (formerly Invitae), Labcorp
Classification: Uncertain significance. Last evaluated: 2024-10-22. Review status: criteria provided, single submitter. Criteria: Invitae Variant Classification Sherloc (09022015). Collection method: clinical testing. Allele origin: germline.
Comment: This sequence change replaces alanine, which is neutral and non-polar, with threonine, which is neutral and polar, at codon 392 of the PKLR protein (p.Ala392Thr). This variant is present in population databases (no rsID available, gnomAD 0.0009%). This missense change has been observed in individual(s) with hemolytic anemia (PMID: 8180378, 26728349). ClinVar contains an entry for this variant (Variation ID: 1163641). Invitae Evidence Modeling of protein sequence and biophysical properties (such as structural, functional, and spatial information, amino acid conservation, physicochemical variation, residue mobility, and thermodynamic stability) indicates that this missense variant is not expected to disrupt PKLR protein function with a negative predictive value of 80%. In summary, the available evidence is currently insufficient to determine the role of this variant in disease. Therefore, it has been classified as a Variant of Uncertain Significance.

Revvity Omics, Revvity
Classification: Uncertain significance. Last evaluated: 2024-01-10. Review status: criteria provided, single submitter. Criteria: ACMG Guidelines, 2015. Collection method: clinical testing. Allele origin: germline.

Mayo Clinic Laboratories, Mayo Clinic
Classification: Pathogenic. Last evaluated: 2020-11-19. Review status: criteria provided, single submitter. Criteria: ACMG Guidelines, 2015. Collection method: clinical testing. Allele origin: germline. Observed: 1 variant allele.
Comment: PS4, PP3, PM1, PM3, PP4

Blueprint Genetics
Classification: Uncertain significance. Last evaluated: 2020-07-10. Review status: criteria provided, single submitter. Criteria: ACMG Guidelines, 2015. Collection method: clinical testing. Allele origin: germline.

PreventionGenetics, part of Exact Sciences
Classification: Likely pathogenic for PKLR-related condition. Last evaluated: 2023-12-06. Review status: no assertion criteria provided. Collection method: clinical testing. Allele origin: germline. Not counted in ClinVar's aggregate classification.
Comment: The PKLR c.1174G>A variant is predicted to result in the amino acid substitution p.Ala392Thr. This variant was reported in the compound heterozygous state in individuals with pyruvate kinase deficiency and hemolytic anemia (Kager et al. 2016. PubMed ID: 26728349; Kazi et al. 2022. J Hematol Allied Sci 2022;2:99-100). This variant has also been documented in the heterozygous state in an individual with a milder phenotype (patient #11, Lenzner et al. 1994. PubMed ID: 8180378) and in an individual with reduced pyruvate kinase activity (Yavarian et al. 2007. PubMed ID: 17977029). This variant is reported in 0.00088% of alleles in individuals of European (Non-Finnish) descent in gnomAD. This variant is interpreted as likely pathogenic.

Literature cited by the submitters: PubMed 8180378 (cited by Labcorp Genetics (formerly Invitae), Labcorp and Mayo Clinic Laboratories, Mayo Clinic); PubMed 26728349 (cited by Labcorp Genetics (formerly Invitae), Labcorp and Mayo Clinic Laboratories, Mayo Clinic); PubMed 17977029 (cited by Mayo Clinic Laboratories, Mayo Clinic); PubMed 27181684 (cited by Mayo Clinic Laboratories, Mayo Clinic).